The following is an entry in ClinVar:

NM_181458.4(PAX3):c.1145C>A (p.Pro382His)

Genes: PAX3 (paired box 3; minus strand), LOC126806529 (CDK7 strongly-dependent group 2 enhancer GRCh37_chr2:223084735-223085934; plus strand). Cytogenetic location: 2q36.1.
Variant type: single nucleotide variant.
Coding change: c.1145C>A on transcript NM_181458.4 (MANE Select); coding-DNA position 1145, C replaced by A.
Protein change: p.Pro382His; replaces proline 382 with histidine.
Molecular consequence: missense variant.
Genome position (GRCh38, 1-based): chr2:222,220,168, G>T on the plus strand (C>A on the coding strand, the complement: PAX3 is on the minus strand). VCF-style: chr2-222220168-G-T. GRCh37 (hg19) VCF-style: chr2-223084887-G-T.
Other names: c.1142C>A, p.Pro381His (NM_001127366.3); c.1145C>A, p.Pro382His (NM_181457.4, NM_181459.4, NM_181460.4 and 1 more transcripts); c.1145C>A (NM_181457.3); short protein forms P381H, P382H.
Identifiers: ClinVar variation 1065041 (VCV001065041.5), dbSNP rs756229758, ClinGen allele CA2135489.

ClinVar aggregate classification (germline): Uncertain significance. Review status: criteria provided, multiple submitters, no conflicts (2 of 4 stars). 2 submissions from 2 submitters: Uncertain significance (2). Last evaluated 2023-05-23.

Conditions:
Inborn genetic diseases. Identifiers: MedGen C0950123, MeSH D030342.
Hearing impairment. Also called: Impaired Hearing. Identifiers: MedGen C1384666, MONDO:0005365, HP:0000365.

Allele frequency attached by ClinVar (database versions not stated): gnomAD exomes below 0.00001; ExAC 0.00002.
gnomAD v4.1: 5 of 1,613,796 alleles (0.00031%); highest among the groups gnomAD compares: Non-Finnish European, 0.00034%; no homozygotes.

Submissions (2):

Ambry Genetics
Classification: Uncertain significance for Inborn genetic diseases. Last evaluated: 2023-05-23. Review status: criteria provided, single submitter. Criteria: Ambry Variant Classification Scheme 2023. Collection method: clinical testing. Allele origin: germline.

Department of Otolaryngology – Head & Neck Surgery, Cochlear Implant Center
Classification: Uncertain significance for Hearing impairment. Last evaluated: 2021-04-12. Review status: criteria provided, single submitter. Criteria: ClinGen HL ACMG Specifications v1. Collection method: clinical testing. Allele origin: germline. Affected: yes.
Comment: PM2_Moderate, PP3_Supporting